The following is an entry in ClinVar:

NM_201548.5(CERKL):c.1365+3A>G

Gene: CERKL (CERK like autophagy regulator; minus strand). Cytogenetic location: 2q31.3.
Variant type: single nucleotide variant.
Coding change: c.1365+3A>G on transcript NM_201548.5 (MANE Select); 3 bases into the intron after coding-DNA position 1365, A replaced by G.
Molecular consequence: intron variant.
Genome position (GRCh38, 1-based): chr2:181,544,697, T>C on the plus strand (A>G on the coding strand, the complement: CERKL is on the minus strand). VCF-style: chr2-181544697-T-C. GRCh37 (hg19) VCF-style: chr2-182409424-T-C.
Other names: c.1026+3A>G (NM_001030312.3); c.1311+3A>G (NM_001160277.2); c.1158+3A>G (NM_001030313.3); c.1443+3A>G (NM_001030311.3).
Identifiers: ClinVar variation 1396280 (VCV001396280.4), dbSNP rs1347304888, ClinGen allele CA538110379.

ClinVar aggregate classification (germline): Uncertain significance (1 of 4 stars; one submission).

Allele frequency attached by ClinVar (database versions not stated): TOPMed below 0.00001; gnomAD 0.00001; gnomAD exomes 0.00001.
gnomAD v4.1: 14 of 1,551,678 alleles (0.0009%); highest among the groups gnomAD compares: South Asian, 0.0046%; no homozygotes.

Submission:

Labcorp Genetics (formerly Invitae), Labcorp
Classification: Uncertain significance. Last evaluated: 2025-08-11. Review status: criteria provided, single submitter. Criteria: Invitae Variant Classification Sherloc (09022015). Collection method: clinical testing. Allele origin: germline.
Comment: This sequence change falls in intron 12 of the CERKL gene. It does not directly change the encoded amino acid sequence of the CERKL protein. It affects a nucleotide within the consensus splice site. This variant is present in population databases (no rsID available, gnomAD 0.003%). This variant has not been reported in the literature in individuals affected with CERKL-related conditions. ClinVar contains an entry for this variant (Variation ID: 1396280). Variants that disrupt the consensus splice site are a relatively common cause of aberrant splicing (PMID: 17576681, 9536098). Algorithms developed to predict the effect of sequence changes on RNA splicing suggest that this variant may disrupt the consensus splice site. In summary, the available evidence is currently insufficient to determine the role of this variant in disease. Therefore, it has been classified as a Variant of Uncertain Significance.

Literature cited by the submitters: PubMed 17576681; PubMed 9536098.